The following is an entry in ClinVar:

ClinVar aggregate classification (germline): Likely benign (1 of 4 stars; one submission).

Allele frequency attached by ClinVar (database versions not stated): gnomAD exomes 0.00006; ExAC 0.00008; TOPMed 0.00008; gnomAD 0.00009.
gnomAD v4.1: 108 of 1,614,026 alleles (0.0067%); highest among the groups gnomAD compares: Admixed American, 0.0083%; no homozygotes.

Submission:

CeGaT Center for Human Genetics Tuebingen
Classification: Likely benign. Last evaluated: 2022-04-01. Review status: criteria provided, single submitter. Criteria: CeGaT Center For Human Genetics Tuebingen Variant Classification Criteria Version 2. Collection method: clinical testing. Allele origin: germline. Affected: yes. Observed: 1 variant allele.
Comment: APEH: BP4, BP7

NM_001640.4(APEH):c.561C>T (p.Ser187=)

Gene: APEH (acylaminoacyl-peptide hydrolase; plus strand). Cytogenetic location: 3p21.31.
Variant type: single nucleotide variant.
Coding change: c.561C>T on transcript NM_001640.4 (MANE Select); coding-DNA position 561, C replaced by T.
Protein change: p.Ser187=; no amino-acid change (serine 187 retained).
Molecular consequence: synonymous variant.
Genome position (GRCh38, 1-based): chr3:49,676,174, C>T. VCF-style: chr3-49676174-C-T. GRCh37 (hg19) VCF-style: chr3-49713607-C-T.
Identifiers: ClinVar variation 2653839 (VCV002653839.24), dbSNP rs770364290, ClinGen allele CA2401837.
Genomic context (GRCh38, chr3:49,676,174, plus strand): 5'-GAAGAAGCGCCCCAAGGCCGAGTCCTTCTTTCAGACCAAAGCCTTGGACGTCAGTGCCAG[C>T]GATGATGAGATAGCCAGGCTGAAGAAGCCAGACCAAGCCATCAAGGTGCTCGTGGTCAAT-3'
Protein context (NP_001631.3, residues 177-197): FQTKALDVSA[Ser187=]DDEIARLKKP